The following is an entry in ClinVar:

ClinVar aggregate classification (germline): Likely pathogenic (1 of 4 stars; one submission).

Conditions:
Merosin deficient congenital muscular dystrophy (MDC1A). Also called: Congenital merosin-deficient muscular dystrophy 1A; Congenital Muscular Dystrophy Type 1A (MDC1A). Identifiers: Orphanet 258, MedGen C1263858, MONDO:0011925, OMIM 607855.

Submission:

Kariminejad - Najmabadi Pathology & Genetics Center
Classification: Likely pathogenic for Merosin deficient congenital muscular dystrophy. Last evaluated: 2023-09-12. Review status: criteria provided, single submitter. Criteria: ACMG Guidelines, 2015. Collection method: clinical testing. Allele origin: germline. Inheritance: Autosomal recessive inheritance. Affected: yes.
Comment: PVS1_Very strong,PM2_Moderate

NM_000426.4(LAMA2):c.5167C>T (p.Gln1723Ter)

Gene: LAMA2 (laminin subunit alpha 2; plus strand). Cytogenetic location: 6q22.33.
Variant type: single nucleotide variant.
Coding change: c.5167C>T on transcript NM_000426.4 (MANE Select); coding-DNA position 5167, C replaced by T.
Protein change: p.Gln1723Ter; replaces glutamine 1723 with a stop codon.
Molecular consequence: nonsense.
Genome position (GRCh38, 1-based): chr6:129,391,586, C>T. VCF-style: chr6-129391586-C-T. GRCh37 (hg19) VCF-style: chr6-129712731-C-T.
Other names: c.5167C>T, p.Gln1723Ter (NM_001079823.2); short protein forms Q1723*.
Identifiers: ClinVar variation 3896895 (VCV003896895.1).